The following is an entry in ClinVar:

NM_018451.5(CPAP):c.1908C>G (p.Arg636=)

Gene: CPAP (centrosome assembly and centriole elongation protein; minus strand). Cytogenetic location: 13q12.13.
Variant type: single nucleotide variant.
Coding change: c.1908C>G on transcript NM_018451.5 (MANE Select); coding-DNA position 1908, C replaced by G.
Protein change: p.Arg636=; no amino-acid change (arginine 636 retained).
Molecular consequence: synonymous variant. On other transcripts: non-coding transcript variant (2).
Genome position (GRCh38, 1-based): chr13:24,906,130, G>C on the plus strand (C>G on the coding strand, the complement: CPAP is on the minus strand). VCF-style: chr13-24906130-G-C. GRCh37 (hg19) VCF-style: chr13-25480268-G-C.
Identifiers: ClinVar variation 158197 (VCV000158197.20), dbSNP rs61743613, ClinGen allele CA171680.

ClinVar aggregate classification (germline): Benign/Likely benign. Review status: criteria provided, multiple submitters, no conflicts (2 of 4 stars). 3 submissions from 3 submitters: Benign (1); Likely benign (2). Last evaluated 2025-11-08.

Allele frequency attached by ClinVar (database versions not stated): ESP Exome Variant Server 0.00208; TOPMed 0.00221; 1000 Genomes Project 0.00280; 1000 Genomes Project 30x 0.00312.
gnomAD v4.1: 580 of 1,613,392 alleles (0.036%); highest among the groups gnomAD compares: African/African-American, 0.73%; 3 homozygotes.

Submissions (3):

Labcorp Genetics (formerly Invitae), Labcorp
Classification: Benign. Last evaluated: 2025-11-08. Review status: criteria provided, single submitter. Criteria: Invitae Variant Classification Sherloc (09022015). Collection method: clinical testing. Allele origin: germline.

Eurofins Ntd Llc (ga)
Classification: Likely benign. Last evaluated: 2016-01-14. Review status: criteria provided, single submitter. Criteria: EGL Classification Definitions 2015. Collection method: clinical testing. Allele origin: germline. Observed: 1 variant allele, 1 heterozygote.

Genetic Services Laboratory, University of Chicago
Classification: Likely benign. Last evaluated: 2013-06-26. Review status: criteria provided, single submitter. Criteria: ACMG Guidelines, 2007. Collection method: clinical testing. Allele origin: germline. Inheritance: Autosomal recessive inheritance.
Comment: Likely benign based on allele frequency in 1000 Genomes Project or ESP global frequency and its presence in a patient with a rare or unrelated disease phenotype. NOT Sanger confirmed